The following is an entry in ClinVar:

ClinVar aggregate classification (germline): Benign/Likely benign. Review status: criteria provided, multiple submitters, no conflicts (2 of 4 stars). 5 submissions from 5 submitters: Benign (2); Likely benign (2). 1 of the submissions does not count toward it. Last evaluated 2026-05-13.

Conditions:
LOXL3-related disorder. Also called: LOXL3-related condition.

Allele frequency attached by ClinVar (database versions not stated): 1000 Genomes Project 30x 0.00125; gnomAD 0.00139 and 0.00122; TOPMed 0.00162; 1000 Genomes Project 0.00140; ExAC 0.00230; ESP Exome Variant Server 0.00115.
gnomAD v4.1: 2,497 of 1,614,194 alleles (0.15%); highest among the groups gnomAD compares: Middle Eastern, 0.84%; 11 homozygotes.

Submissions (5):

Women's Health and Genetics/Laboratory Corporation of America, LabCorp
Classification: Likely benign. Last evaluated: 2026-05-13. Review status: criteria provided, single submitter. Criteria: LabCorp Variant Classification Summary - May 2015. Collection method: clinical testing. Allele origin: germline.

Labcorp Genetics (formerly Invitae), Labcorp
Classification: Benign. Last evaluated: 2026-02-01. Review status: criteria provided, single submitter. Criteria: Invitae Variant Classification Sherloc (09022015). Collection method: clinical testing. Allele origin: germline.

CeGaT Center for Human Genetics Tuebingen
Classification: Likely benign. Last evaluated: 2023-02-01. Review status: criteria provided, single submitter. Criteria: CeGaT Center For Human Genetics Tuebingen Variant Classification Criteria Version 2. Collection method: clinical testing. Allele origin: germline. Affected: yes. Observed: 1 variant allele.
Comment: LOXL3: BP4, BP7, BS2

Breakthrough Genomics
Classification: Benign. Review status: criteria provided, single submitter. Criteria: ACMG Guidelines, 2015. Collection method: not provided. Allele origin: germline. Inheritance: Autosomal recessive inheritance. Affected: yes.

PreventionGenetics, part of Exact Sciences
Classification: Benign for LOXL3-related condition. Last evaluated: 2019-11-05. Review status: no assertion criteria provided. Collection method: clinical testing. Allele origin: germline. Not counted in ClinVar's aggregate classification.
Comment: This variant is classified as benign based on ACMG/AMP sequence variant interpretation guidelines (Richards et al. 2015 PMID: 25741868, with internal and published modifications).

NM_032603.5(LOXL3):c.405G>A (p.Thr135=)

Genes: DOK1 (docking protein 1; plus strand), LOXL3 (lysyl oxidase like 3; minus strand). Cytogenetic location: 2p13.1.
Variant type: single nucleotide variant.
Coding change: c.405G>A on transcript NM_032603.5 (MANE Select); coding-DNA position 405, G replaced by A.
Protein change: p.Thr135=; no amino-acid change (threonine 135 retained).
Molecular consequence: synonymous variant. On other transcripts: intron variant (1).
Genome position (GRCh38, 1-based): chr2:74,550,257, C>T on the plus strand (G>A on the coding strand, the complement: LOXL3 is on the minus strand). VCF-style: chr2-74550257-C-T. GRCh37 (hg19) VCF-style: chr2-74777384-C-T.
Other names: c.405G>A, p.Thr135= (NM_001289164.3); c.-358+1085C>T (NM_001197260.2).
Identifiers: ClinVar variation 1648890 (VCV001648890.33), dbSNP rs141075927, ClinGen allele CA1729194.